The following is an entry in ClinVar:

ClinVar aggregate classification (germline): Benign. Review status: criteria provided, multiple submitters, no conflicts (2 of 4 stars). 3 submissions from 3 submitters: Benign (2). 1 of the submissions does not count toward it. Last evaluated 2016-03-29.

Conditions:
SHROOM3-related disorder. Also called: SHROOM3-related condition.

Allele frequency attached by ClinVar (database versions not stated): ESP Exome Variant Server 0.03322; gnomAD 0.03555; 1000 Genomes Project 0.03674; 1000 Genomes Project 30x 0.03810; TOPMed 0.04241; ExAC 0.04508; gnomAD exomes 0.04982.
gnomAD v4.1: 75,551 of 1,614,086 alleles (4.7%); highest among the groups gnomAD compares: Admixed American, 12%; 2,287 homozygotes.

Submissions (3):

Laboratory for Molecular Medicine, Mass General Brigham Personalized Medicine
Classification: Benign. Last evaluated: 2016-03-29. Review status: criteria provided, single submitter. Criteria: LMM Criteria. Collection method: clinical testing. Allele origin: germline.
Comment: Variant identified in a genome or exome case(s) and assessed due to predicted null impact of the variant or pathogenic assertions in the literature or databases. Disclaimer: This variant has not undergone full assessment. The following are preliminary notes: Frequency

Breakthrough Genomics
Classification: Benign. Review status: criteria provided, single submitter. Criteria: ACMG Guidelines, 2015. Collection method: not provided. Allele origin: germline. Inheritance: Unknown mechanism. Affected: yes.

PreventionGenetics, part of Exact Sciences
Classification: Benign for SHROOM3-related condition. Last evaluated: 2020-01-06. Review status: no assertion criteria provided. Collection method: clinical testing. Allele origin: germline. Not counted in ClinVar's aggregate classification.
Comment: This variant is classified as benign based on ACMG/AMP sequence variant interpretation guidelines (Richards et al. 2015 PMID: 25741868, with internal and published modifications).

NM_020859.4(SHROOM3):c.4289G>A (p.Arg1430Gln)

Genes: SHROOM3-AS1 (SHROOM3 antisense RNA 1; minus strand), SHROOM3 (shroom family member 3; plus strand). Cytogenetic location: 4q21.1.
Variant type: single nucleotide variant.
Coding change: c.4289G>A on transcript NM_020859.4 (MANE Select); coding-DNA position 4289, G replaced by A.
Protein change: p.Arg1430Gln; replaces arginine 1430 with glutamine.
Molecular consequence: missense variant.
Genome position (GRCh38, 1-based): chr4:76,754,772, G>A. VCF-style: chr4-76754772-G-A. GRCh37 (hg19) VCF-style: chr4-77675925-G-A.
Other names: short protein forms R1430Q.
Identifiers: ClinVar variation 403442 (VCV000403442.7), dbSNP rs61741104, ClinGen allele CA2972983.